The following is an entry in ClinVar:

ClinVar aggregate classification (germline): Uncertain significance. Review status: criteria provided, multiple submitters, no conflicts (2 of 4 stars). 2 submissions from 2 submitters: Uncertain significance (2). Last evaluated 2025-09-30.

Conditions:
Ehlers-Danlos syndrome, classic type, 1 (EDSCL1). Also called: Ehlers-Danlos syndrome, type 1; Ehlers-Danlos Syndrome, Classic Type, COL5A1-Related; EHLERS-DANLOS SYNDROME, GRAVIS TYPE; EHLERS-DANLOS SYNDROME, SEVERE CLASSIC TYPE; EDS I. Identifiers: MedGen C0268335, MONDO:0019567, OMIM 130000.
Fibromuscular dysplasia, multifocal. Identifiers: MedGen C5543412, MONDO:0859151, OMIM 619329.

gnomAD v4.1: 6 of 1,610,598 alleles (0.00037%); highest among the groups gnomAD compares: Admixed American, 0.0017%; no homozygotes.

Submissions (2):

Labcorp Genetics (formerly Invitae), Labcorp
Classification: Uncertain significance for Ehlers-Danlos syndrome, classic type, 1. Last evaluated: 2025-09-30. Review status: criteria provided, single submitter. Criteria: Invitae Variant Classification Sherloc (09022015). Collection method: clinical testing. Allele origin: germline.
Comment: This sequence change replaces glycine, which is neutral and non-polar, with serine, which is neutral and polar, at codon 1024 of the COL5A1 protein (p.Gly1024Ser). The frequency data for this variant in the population databases is considered unreliable, as metrics indicate poor data quality at this position in the gnomAD database. This variant has not been reported in the literature in individuals affected with COL5A1-related conditions. Invitae Evidence Modeling of protein sequence and biophysical properties (such as structural, functional, and spatial information, amino acid conservation, physicochemical variation, residue mobility, and thermodynamic stability) indicates that this missense variant is expected to disrupt COL5A1 protein function with a positive predictive value of 95%. This variant disrupts the triple helix domain of COL5A1. Glycine residues within the Gly-Xaa-Yaa repeats of the triple helix domain are required for the structure and stability of fibrillar collagens (PMID: 7695699, 8218237, 19344236), and variants at these glycine residues in COL5A1 are more frequently observed in individuals with disease than in the general population (PMID: 22696272, 23587214). However, the clinical significance of this observation remains uncertain since only a limited number of affected individuals have been described to date. In summary, the available evidence is currently insufficient to determine the role of this variant in disease. Therefore, it has been classified as a Variant of Uncertain Significance.

Juno Genomics, Hangzhou Juno Genomics, Inc
Classification: Uncertain significance for Ehlers-Danlos syndrome, classic type, 1; Fibromuscular dysplasia, multifocal. Review status: criteria provided, single submitter. Criteria: ACMG Guidelines, 2015. Collection method: clinical testing. Allele origin: germline.
Comment: Absent from controls (or at extremely low frequency if recessive) in Genome Aggregation Database.;Missense variant in a gene that has a low rate of benign missense variation.;Multiple lines of computational evidence support a deleterious effect on the gene or gene product.

Literature cited by the submitters: PubMed 7695699 (cited by Labcorp Genetics (formerly Invitae), Labcorp); PubMed 8218237 (cited by Labcorp Genetics (formerly Invitae), Labcorp); PubMed 19344236 (cited by Labcorp Genetics (formerly Invitae), Labcorp); PubMed 22696272 (cited by Labcorp Genetics (formerly Invitae), Labcorp); PubMed 23587214 (cited by Labcorp Genetics (formerly Invitae), Labcorp).

NM_000093.5(COL5A1):c.3070G>A (p.Gly1024Ser)

Gene: COL5A1 (collagen type V alpha 1 chain; plus strand). Cytogenetic location: 9q34.3.
Variant type: single nucleotide variant.
Coding change: c.3070G>A on transcript NM_000093.5 (MANE Select); coding-DNA position 3070, G replaced by A.
Protein change: p.Gly1024Ser; replaces glycine 1024 with serine.
Molecular consequence: missense variant.
Genome position (GRCh38, 1-based): chr9:134,802,951, G>A. VCF-style: chr9-134802951-G-A. GRCh37 (hg19) VCF-style: chr9-137694797-G-A.
Other names: c.3070G>A, p.Gly1024Ser (NM_001278074.1); short protein forms G1024S.
Identifiers: ClinVar variation 4799322 (VCV004799322.3).